The following is an entry in ClinVar:

ClinVar aggregate classification (germline): Uncertain significance (1 of 4 stars; one submission).

Submission:

GeneDx
Classification: Uncertain significance. Last evaluated: 2024-02-09. Review status: criteria provided, single submitter. Criteria: GeneDx Variant Classification Process June 2021. Collection method: clinical testing. Allele origin: germline. Affected: yes.
Comment: Not observed at significant frequency in large population cohorts (gnomAD); In silico analysis supports that this missense variant has a deleterious effect on protein structure/function; Has not been previously published as pathogenic or benign to our knowledge

NM_001009944.3(PKD1):c.9868C>T (p.Leu3290Phe)

Gene: PKD1 (polycystin 1, transient receptor potential channel interacting; minus strand). Cytogenetic location: 16p13.3.
Variant type: single nucleotide variant.
Coding change: c.9868C>T on transcript NM_001009944.3 (MANE Select); coding-DNA position 9868, C replaced by T.
Protein change: p.Leu3290Phe; replaces leucine 3290 with phenylalanine.
Molecular consequence: missense variant.
Genome position (GRCh38, 1-based): chr16:2,099,916, G>A on the plus strand (C>T on the coding strand, the complement: PKD1 is on the minus strand). VCF-style: chr16-2099916-G-A. GRCh37 (hg19) VCF-style: chr16-2149917-G-A.
Other names: c.9868C>T, p.Leu3290Phe (NM_000296.4); short protein forms L3290F.
Identifiers: ClinVar variation 3368583 (VCV003368583.1).